The following is an entry in ClinVar:

ClinVar aggregate classification (germline): Uncertain significance (1 of 4 stars; one submission).

Submission:

Ambry Genetics
Classification: Uncertain significance. Last evaluated: 2026-08-16. Review status: criteria provided, single submitter. Criteria: Ambry Variant Classification Scheme 2023. Collection method: clinical testing. Allele origin: germline.
Comment: The p.T158I variant (also known as c.473C>T), located in coding exon 1 of the CDK12 gene, results from a C to T substitution at nucleotide position 473. The threonine at codon 158 is replaced by isoleucine, an amino acid with similar properties. This amino acid position is conserved. In addition, this alteration is predicted to be tolerated by in silico analysis. Based on the available evidence, the clinical significance of this variant remains unclear.

NM_016507.4(CDK12):c.473C>T (p.Thr158Ile)

Genes: CDK12 (cyclin dependent kinase 12; plus strand), LOC126862553 (CDK7 strongly-dependent group 2 enhancer GRCh37_chr17:37618166-37619365; plus strand). Cytogenetic location: 17q12.
Variant type: single nucleotide variant.
Coding change: c.473C>T on transcript NM_016507.4 (MANE Select); coding-DNA position 473, C replaced by T.
Protein change: p.Thr158Ile; replaces threonine 158 with isoleucine.
Molecular consequence: missense variant.
Genome position (GRCh38, 1-based): chr17:39,462,544, C>T. VCF-style: chr17-39462544-C-T. GRCh37 (hg19) VCF-style: chr17-37618797-C-T.
Other names: c.473C>T, p.Thr158Ile (NM_015083.4); short protein forms T158I.
Identifiers: ClinVar variation 5034159 (VCV005034159.1).
Genomic context (GRCh38, chr17:39,462,544, plus strand): 5'-GCAAGTCGGGATCGATGAAGGACCGGATATCGGGAAGTTCAAAGCGTTCGAATGAGGAGA[C>T]TGATGACTATGGGAAGGCGCAGGTAGCCAAAAGCAGCAGCAAGGAATCCAGGTCATCCAA-3'
Protein context (NP_057591.2, residues 148-168): SGSSKRSNEE[Thr158Ile]DDYGKAQVAK